The following is an entry in ClinVar:

ClinVar aggregate classification (germline): Uncertain significance (1 of 4 stars; one submission).

Submission:

Labcorp Genetics (formerly Invitae), Labcorp
Classification: Uncertain significance. Last evaluated: 2024-12-17. Review status: criteria provided, single submitter. Criteria: Invitae Variant Classification Sherloc (09022015). Collection method: clinical testing. Allele origin: germline.
Comment: This sequence change replaces proline, which is neutral and non-polar, with serine, which is neutral and polar, at codon 409 of the SIAE protein (p.Pro409Ser). This variant is not present in population databases (gnomAD no frequency). This variant has not been reported in the literature in individuals affected with SIAE-related conditions. An algorithm developed to predict the effect of missense changes on protein structure and function (PolyPhen-2) suggests that this variant is likely to be disruptive. In summary, the available evidence is currently insufficient to determine the role of this variant in disease. Therefore, it has been classified as a Variant of Uncertain Significance.

NM_170601.5(SIAE):c.1225C>T (p.Pro409Ser)

Gene: SIAE (sialic acid acetylesterase; minus strand). Cytogenetic location: 11q24.2.
Variant type: single nucleotide variant.
Coding change: c.1225C>T on transcript NM_170601.5 (MANE Select); coding-DNA position 1225, C replaced by T.
Protein change: p.Pro409Ser; replaces proline 409 with serine.
Molecular consequence: missense variant.
Genome position (GRCh38, 1-based): chr11:124,638,637, G>A on the plus strand (C>T on the coding strand, the complement: SIAE is on the minus strand). VCF-style: chr11-124638637-G-A. GRCh37 (hg19) VCF-style: chr11-124508533-G-A.
Other names: c.1120C>T, p.Pro374Ser (NM_001199922.2); short protein forms P374S, P409S.
Identifiers: ClinVar variation 3727414 (VCV003727414.2).